The following is an entry in ClinVar:

ClinVar aggregate classification (germline): Uncertain significance (1 of 4 stars; one submission).

gnomAD v4.1: 9 of 1,551,584 alleles (0.00058%); highest among the groups gnomAD compares: Middle Eastern, 0.017%; no homozygotes.

Submission:

GeneDx
Classification: Uncertain significance. Last evaluated: 2026-07-02. Review status: criteria provided, single submitter. Criteria: GeneDx Variant Classification Process June 2021. Collection method: clinical testing. Allele origin: germline.
Comment: In silico analysis suggests that this missense variant does not alter protein structure/function; Has not been previously published as pathogenic or benign to our knowledge

NM_138775.3(ALKBH8):c.1675C>T (p.Arg559Cys)

Gene: ALKBH8 (alkB homolog 8, tRNA methyltransferase; minus strand). Cytogenetic location: 11q22.3.
Variant type: single nucleotide variant.
Coding change: c.1675C>T on transcript NM_138775.3 (MANE Select); coding-DNA position 1675, C replaced by T.
Protein change: p.Arg559Cys; replaces arginine 559 with cysteine.
Molecular consequence: missense variant. On other transcripts: non-coding transcript variant (6).
Genome position (GRCh38, 1-based): chr11:107,504,978, G>A on the plus strand (C>T on the coding strand, the complement: ALKBH8 is on the minus strand). VCF-style: chr11-107504978-G-A. GRCh37 (hg19) VCF-style: chr11-107375704-G-A.
Other names: c.1675C>T, p.Arg559Cys (NM_001301010.3); c.1525C>T, p.Arg509Cys (NM_001378133.1); short protein forms R509C, R559C.
Identifiers: ClinVar variation 3368459 (VCV003368459.2).